The following is an entry in ClinVar:

NM_002049.4(GATA1):c.174G>A (p.Ala58=)

Gene: GATA1 (GATA binding protein 1; plus strand). Cytogenetic location: Xp11.23.
Variant type: single nucleotide variant.
Coding change: c.174G>A on transcript NM_002049.4 (MANE Select); coding-DNA position 174, G replaced by A.
Protein change: p.Ala58=; no amino-acid change (alanine 58 retained).
Molecular consequence: synonymous variant.
Genome position (GRCh38, 1-based): chrX:48,791,283, G>A. VCF-style: chrX-48791283-G-A. GRCh37 (hg19) VCF-style: chrX-48649690-G-A.
Identifiers: ClinVar variation 258542 (VCV000258542.19), dbSNP rs139614533, ClinGen allele CA10404549.
Genomic context (GRCh38, chrX:48,791,283, plus strand): 5'-TGAGGGCTTGGATGCAGCAGCTTCCTCCACTGCCCCGAGCACAGCCACCGCTGCAGCTGC[G>A]GCACTGGCCTACTACAGGGACGCTGAGGCCTACAGACACTCCCCAGGTAACTCCATTGAG-3'
Protein context (NP_002040.1, residues 48-68): TAPSTATAAA[Ala58=]ALAYYRDAEA

ClinVar aggregate classification (germline): Benign/Likely benign. Review status: criteria provided, multiple submitters, no conflicts (2 of 4 stars). 6 submissions from 6 submitters: Benign (1); Likely benign (5). Last evaluated 2026-04-01.

Conditions:
Diamond-Blackfan anemia. Also called: Blackfan Diamond syndrome; Aregenerative anemia chronic congenital; Red cell aplasia, pure hereditary; Congenital hypoplastic anemia; Aase syndrome. Identifiers: Orphanet 124, MedGen C1260899, MeSH D029503, MONDO:0015253, HP:0004810.
GATA binding protein 1 related thrombocytopenia with dyserythropoiesis. Also called: GATA1-Related Cytopenia; GATA1-Related X-Linked Cytopenia. Identifiers: MedGen C1845837, MONDO:0100089.
X-linked dyserythropoetic anemia with abnormal platelets and neutropenia. Also called: ANEMIA, X-LINKED, WITH OR WITHOUT NEUTROPENIA AND/OR PLATELET ABNORMALITIES. Identifiers: Orphanet 363727, MedGen C3550856, MONDO:0010444, OMIM 300835.
Down syndrome (DS). Also called: T21. Identifiers: Orphanet 870, MedGen C0013080, MONDO:0008608, OMIM 190685. Disease mechanism: Meiosis non dynjunction. Inheritance: Chromosomal.
Thrombocytopenia, X-linked, with or without dyserythropoietic anemia (XLTDA). Identifiers: Orphanet 67044, MedGen C3550789, MONDO:0010308, OMIM 300367.
Beta-thalassemia-X-linked thrombocytopenia syndrome. Also called: THROMBOCYTOPENIA WITH BETA-THALASSEMIA, X-LINKED. Identifiers: Orphanet 231393, MedGen C1839161, MONDO:0010745, OMIM 314050.

Allele frequency attached by ClinVar (database versions not stated): gnomAD exomes 0.00013 and 0.00042; ESP Exome Variant Server 0.00028; TOPMed 0.00030; gnomAD 0.00031 and 0.00040; ExAC 0.00062; 1000 Genomes Project 0.00265; 1000 Genomes Project 30x 0.00291.
gnomAD v4.1: 210 of 1,205,216 alleles (0.017%); highest among the groups gnomAD compares: East Asian, 0.34%; no homozygotes.

Submissions (6):

CeGaT Center for Human Genetics Tuebingen
Classification: Likely benign. Last evaluated: 2026-04-01. Review status: criteria provided, single submitter. Criteria: CeGaT Center For Human Genetics Tuebingen Variant Classification Criteria Version 2. Collection method: clinical testing. Allele origin: germline. Affected: yes. Observed: 1 variant allele.
Comment: GATA1: BP4, BP7, BS2

Labcorp Genetics (formerly Invitae), Labcorp
Classification: Benign for GATA binding protein 1 related thrombocytopenia with dyserythropoiesis; Diamond-Blackfan anemia. Last evaluated: 2026-01-26. Review status: criteria provided, single submitter. Criteria: Invitae Variant Classification Sherloc (09022015). Collection method: clinical testing. Allele origin: germline.

Blueprint Genetics
Classification: Likely benign. Last evaluated: 2023-08-28. Review status: criteria provided, single submitter. Criteria: ACMG Guidelines, 2015. Collection method: clinical testing. Allele origin: germline.

Fulgent Genetics
Classification: Likely benign for Down syndrome; Thrombocytopenia, X-linked, with or without dyserythropoietic anemia; X-linked dyserythropoetic anemia with abnormal platelets and neutropenia; Beta-thalassemia-X-linked thrombocytopenia syndrome. Last evaluated: 2021-10-27. Review status: criteria provided, single submitter. Criteria: ACMG Guidelines, 2015. Collection method: clinical testing. Allele origin: unknown.

Genetic Services Laboratory, University of Chicago
Classification: Likely benign. Last evaluated: 2019-03-08. Review status: criteria provided, single submitter. Criteria: ACMG Guidelines, 2015. Collection method: clinical testing. Allele origin: germline. Affected: no.

PreventionGenetics, part of Exact Sciences
Classification: Likely benign. Review status: criteria provided, single submitter. Criteria: ACMG Guidelines, 2015. Collection method: clinical testing. Allele origin: germline.